The following is an entry in ClinVar:

ClinVar aggregate classification (germline): Uncertain significance (1 of 4 stars; one submission).

Conditions:
Autosomal recessive severe congenital neutropenia due to CSF3R deficiency. Also called: Neutropenia, severe congenital, 7, autosomal recessive. Identifiers: Orphanet 420702, MedGen C4310764, MONDO:0014865, OMIM 617014.

Submission:

Labcorp Genetics (formerly Invitae), Labcorp
Classification: Uncertain significance for Autosomal recessive severe congenital neutropenia due to CSF3R deficiency. Last evaluated: 2023-11-20. Review status: criteria provided, single submitter. Criteria: Invitae Variant Classification Sherloc (09022015). Collection method: clinical testing. Allele origin: germline.
Comment: This sequence change replaces asparagine, which is neutral and polar, with lysine, which is basic and polar, at codon 51 of the CSF3R protein (p.Asn51Lys). This variant is not present in population databases (gnomAD no frequency). This variant has not been reported in the literature in individuals affected with CSF3R-related conditions. Advanced modeling of protein sequence and biophysical properties (such as structural, functional, and spatial information, amino acid conservation, physicochemical variation, residue mobility, and thermodynamic stability) performed at Invitae indicates that this missense variant is not expected to disrupt CSF3R protein function with a negative predictive value of 80%. In summary, the available evidence is currently insufficient to determine the role of this variant in disease. Therefore, it has been classified as a Variant of Uncertain Significance.

NM_000760.4(CSF3R):c.153C>A (p.Asn51Lys)

Gene: CSF3R (colony stimulating factor 3 receptor; minus strand). Cytogenetic location: 1p34.3.
Variant type: single nucleotide variant.
Coding change: c.153C>A on transcript NM_000760.4 (MANE Select); coding-DNA position 153, C replaced by A.
Protein change: p.Asn51Lys; replaces asparagine 51 with lysine.
Molecular consequence: missense variant.
Genome position (GRCh38, 1-based): chr1:36,475,585, G>T on the plus strand (C>A on the coding strand, the complement: CSF3R is on the minus strand). VCF-style: chr1-36475585-G-T. GRCh37 (hg19) VCF-style: chr1-36941186-G-T.
Other names: c.153C>A, p.Asn51Lys (NM_156039.3, NM_172313.3); short protein forms N51K.
Identifiers: ClinVar variation 2697776 (VCV002697776.3), dbSNP rs1557597591, ClinGen allele CA339425080.